The following is an entry in ClinVar:

ClinVar aggregate classification (germline): Conflicting classifications of pathogenicity. Review status: criteria provided, conflicting classifications (1 of 4 stars). 5 submissions from 5 submitters: Uncertain significance (4); Likely benign (1). Last evaluated 2025-01-14.

Conditions:
Hereditary nonpolyposis colorectal neoplasms. Identifiers: MedGen C0009405, MeSH D003123.
Lynch syndrome. Identifiers: Orphanet 144, MedGen C4552100, MONDO:0005835. Disease mechanism: loss of function.
Hereditary cancer-predisposing syndrome. Also called: Hereditary neoplastic syndrome; Tumor predisposition; Neoplastic Syndromes, Hereditary; Hereditary Cancer Syndrome. Identifiers: Orphanet 140162, MedGen C0027672, MeSH D009386, MONDO:0015356.

gnomAD v4.1: 6 of 1,605,132 alleles (0.00037%); highest among the groups gnomAD compares: South Asian, 0.0022%; no homozygotes.

Submissions (5):

Ambry Genetics
Classification: Uncertain significance for Hereditary cancer-predisposing syndrome. Last evaluated: 2025-01-14. Review status: criteria provided, single submitter. Criteria: Ambry Variant Classification Scheme 2023. Collection method: clinical testing. Allele origin: germline.
Comment: The p.T1085I variant (also known as c.3254C>T), located in coding exon 5 of the MSH6 gene, results from a C to T substitution at nucleotide position 3254. The threonine at codon 1085 is replaced by isoleucine, an amino acid with similar properties. This amino acid position is not well conserved in available vertebrate species. In addition, the in silico prediction for this alteration is inconclusive. Since supporting evidence is limited at this time, the clinical significance of this alteration remains unclear.

Labcorp Genetics (formerly Invitae), Labcorp
Classification: Likely benign for Hereditary nonpolyposis colorectal neoplasms. Last evaluated: 2025-01-14. Review status: criteria provided, single submitter. Criteria: Invitae Variant Classification Sherloc (09022015). Collection method: clinical testing. Allele origin: germline.

All of Us Research Program, National Institutes of Health
Classification: Uncertain significance for Lynch syndrome. Last evaluated: 2023-05-16. Review status: criteria provided, single submitter. Criteria: ACMG Guidelines, 2015. Collection method: clinical testing. Allele origin: germline. Inheritance: Autosomal dominant inheritance. Observed: 1 variant allele, 1 heterozygote.
Comment: This missense variant replaces threonine with isoleucine at codon 1085 of the MSH6 protein. Computational prediction tool suggests that this variant may not impact protein structure and function (internally defined REVEL score threshold <=0.5, PMID: 27666373). Splice site prediction tools suggest that this variant may not impact RNA splicing. To our knowledge, functional studies have not been performed for this variant. This variant has not been reported in individuals affected with hereditary cancer in the literature. This variant has been identified in 1/249438 chromosomes in the general population by the Genome Aggregation Database (gnomAD). The available evidence is insufficient to determine the role of this variant in disease conclusively. Therefore, this variant is classified as a Variant of Uncertain Significance.

This study involves interpretation of variants in research participants for the purpose of population health screening. Participant phenotype was not available at the time of variant classification. Additional details can be found in publication PMID: 35346344, PMCID: PMC8962531

Color Diagnostics, LLC DBA Color Health
Classification: Uncertain significance for Hereditary cancer-predisposing syndrome. Last evaluated: 2023-05-10. Review status: criteria provided, single submitter. Criteria: ACMG Guidelines, 2015. Collection method: clinical testing. Allele origin: germline.
Comment: This missense variant replaces threonine with isoleucine at codon 1085 of the MSH6 protein. Computational prediction suggests that this variant may not impact protein structure and function (internally defined REVEL score threshold <= 0.5, PMID: 27666373). To our knowledge, functional studies have not been reported for this variant. This variant has not been reported in individuals affected with MSH6-related disorders in the literature. This variant has been identified in 1/249438 chromosomes in the general population by the Genome Aggregation Database (gnomAD). The available evidence is insufficient to determine the role of this variant in disease conclusively. Therefore, this variant is classified as a Variant of Uncertain Significance.

GeneDx
Classification: Uncertain significance. Last evaluated: 2018-10-01. Review status: criteria provided, single submitter. Criteria: GeneDx Variant Classification (06012015). Collection method: clinical testing. Allele origin: germline. Affected: yes.
Comment: This variant is denoted MSH6 c.3254C>T at the cDNA level, p.Thr1085Ile (T1085I) at the protein level, and results in the change of a Threonine to an Isoleucine (ACC>ATC). This variant has not, to our knowledge, been published in the literature as a pathogenic or benign germline variant. MSH6 Thr1085Ile was not observed at a significant allele frequency in large population cohorts (Lek 2016). This variant is located within the ATPase domain (Warren 2007, Kansikas 2011). In silico analysis, which includes protein predictors and evolutionary conservation, supports a deleterious effect. Based on currently available evidence, it is unclear whether MSH6 Thr1085Ile is a pathogenic or benign variant. We consider it to be a variant of uncertain significance.

NM_000179.3(MSH6):c.3254C>T (p.Thr1085Ile)

Gene: MSH6 (mutS homolog 6; plus strand). Cytogenetic location: 2p16.3.
Variant type: single nucleotide variant.
Coding change: c.3254C>T on transcript NM_000179.3 (MANE Select); coding-DNA position 3254, C replaced by T.
Protein change: p.Thr1085Ile; replaces threonine 1085 with isoleucine.
Molecular consequence: missense variant.
Genome position (GRCh38, 1-based): chr2:47,803,501, C>T. VCF-style: chr2-47803501-C-T. GRCh37 (hg19) VCF-style: chr2-48030640-C-T.
Other names: c.2864C>T, p.Thr955Ile (NM_001281492.2); c.2348C>T, p.Thr783Ile (NM_001281493.2, NM_001281494.2); short protein forms T1085I, T955I, T783I.
Identifiers: ClinVar variation 420757 (VCV000420757.23), dbSNP rs761724581, ClinGen allele CA16617694.
Genomic context (GRCh38, chr2:47,803,501, plus strand): 5'-ACTATAGTCGAGGGGGTGATGGTCCTATGTGTCGCCCAGTAATTCTGTTGCCGGAAGATA[C>T]CCCCCCCTTCTTAGAGCTTAAAGGATCACGCCATCCTTGCATTACGAAGACTTTTTTTGG-3'
Protein context (NP_000170.1, residues 1075-1095): CRPVILLPED[Thr1085Ile]PPFLELKGSR